The following is an entry in ClinVar:

NM_003040.4(SLC4A2):c.2220G>T (p.Val740=)

Gene: SLC4A2 (solute carrier family 4 member 2; plus strand). Cytogenetic location: 7q36.1.
Variant type: single nucleotide variant.
Coding change: c.2220G>T on transcript NM_003040.4 (MANE Select); coding-DNA position 2220, G replaced by T.
Protein change: p.Val740=; no amino-acid change (valine 740 retained).
Molecular consequence: synonymous variant.
Genome position (GRCh38, 1-based): chr7:151,071,717, G>T. VCF-style: chr7-151071717-G-T. GRCh37 (hg19) VCF-style: chr7-150768804-G-T.
Other names: c.2220G>T, p.Val740= (NM_001199692.3); c.2193G>T, p.Val731= (NM_001199693.1); c.2178G>T, p.Val726= (NM_001199694.2).
Identifiers: ClinVar variation 64507 (VCV000064507.2), dbSNP rs387907528, ClinGen allele CA216303.

ClinVar aggregate classification (germline): Uncertain significance (0 of 4 stars; one submission).

gnomAD v4.1: 12 of 1,611,040 alleles (0.00074%); highest among the groups gnomAD compares: South Asian, 0.0011%; no homozygotes.

Submission:

Martin Pollak Laboratory,  Beth Israel Deaconess Medical Center
Classification: Uncertain significance. Review status: no assertion criteria provided. Collection method: not provided. Allele origin: unknown.
Comment: Lower UCa2+ group
ClinVar note: Converted during submission from unknown to Uncertain significance.